The following is an entry in ClinVar:

NM_004006.3(DMD):c.5260G>A (p.Glu1754Lys)

Gene: DMD (dystrophin; minus strand). Cytogenetic location: Xp21.1.
Variant type: single nucleotide variant.
Coding change: c.5260G>A on transcript NM_004006.3 (MANE Select); coding-DNA position 5260, G replaced by A.
Protein change: p.Glu1754Lys; replaces glutamic acid 1754 with lysine.
Molecular consequence: missense variant.
Genome position (GRCh38, 1-based): chrX:32,362,853, C>T on the plus strand (G>A on the coding strand, the complement: DMD is on the minus strand). VCF-style: chrX-32362853-C-T. GRCh37 (hg19) VCF-style: chrX-32380970-C-T.
Other names: c.5248G>A, p.Glu1750Lys (NM_004009.3); c.4891G>A, p.Glu1631Lys (NM_004010.3); c.1237G>A, p.Glu413Lys (NM_004011.4); c.1228G>A, p.Glu410Lys (NM_004012.4); c.5236G>A, p.Glu1746Lys (NM_000109.4); short protein forms E1631K, E1746K, E1750K, E1754K, E410K, E413K.
Identifiers: ClinVar variation 3234944 (VCV003234944.17), dbSNP rs1359089046, ClinGen allele CA412671142.
Genomic context (GRCh38, chrX:32,362,853, plus strand): 5'-CAGTCTTAATTCTGTGTGAAATGGCTGCAAATCGATGGTTGAGCTCTGAGATTTGGGGCT[C>T]TACTAATTTCCTGCAGTGGTCACCGCGGTTTGCCATCAAGTTTGCTGCTTGGTCACGTGT-3'
Protein context (NP_003997.2, residues 1744-1764): NRGDHCRKLV[Glu1754Lys]PQISELNHRF

ClinVar aggregate classification (germline): Uncertain significance. Review status: criteria provided, multiple submitters, no conflicts (2 of 4 stars). 2 submissions from 2 submitters: Uncertain significance (2). Last evaluated 2025-12-01.

Conditions:
Duchenne muscular dystrophy (DMD). Also called: MUSCULAR DYSTROPHY, PSEUDOHYPERTROPHIC PROGRESSIVE, DUCHENNE TYPE; Duchenne Muscular Dystrophy (DMD). Identifiers: Orphanet 98896, MedGen C0013264, MONDO:0010679, OMIM 310200.

Allele frequency attached by ClinVar (database versions not stated): gnomAD exomes below 0.00001.
gnomAD v4.1: 2 of 1,211,181 alleles (0.00017%); highest among the groups gnomAD compares: Non-Finnish European, 0.00011%; no homozygotes.

Submissions (2):

CeGaT Center for Human Genetics Tuebingen
Classification: Uncertain significance. Last evaluated: 2025-12-01. Review status: criteria provided, single submitter. Criteria: CeGaT Center For Human Genetics Tuebingen Variant Classification Criteria Version 2. Collection method: clinical testing. Allele origin: germline. Affected: yes. Observed: 2 variant alleles.
Comment: DMD: PM2

Neuberg Centre For Genomic Medicine, NCGM
Classification: Uncertain significance for Duchenne muscular dystrophy. Review status: criteria provided, single submitter. Criteria: ACMG Guidelines, 2015. Collection method: clinical testing. Allele origin: germline. Inheritance: X-linked recessive inheritance. Affected: yes.
Comment: The missense c.5260G>A p.Glu1754Lys variant in DMD gene has not been reported previously as a pathogenic variant nor as a benign variant, to our knowledge. The p.Glu1754Lys variant is reported with an allele frequency of 0.0005% in the gnomAD exomes database and is novel not in any individuals in 1000 Genomes database. This variant has not been reported to the ClinVar database. The amino acid change p.Glu1754Lys in DMD is predicted as conserved by GERP++ and PhyloP across 100 vertebrates. The amino acid Glu at position 1754 is changed to a Lys changing protein sequence and it might alter its composition and physico-chemical properties. For these reasons, this variant has been classified as a Variant of Uncertain Significance VUS.